The following is an entry in ClinVar:

ClinVar aggregate classification (germline): Uncertain significance (1 of 4 stars; one submission).

Conditions:
Hepatic methionine adenosyltransferase deficiency. Also called: Deficiency of methionine adenosyltransferase; Isolated Persistent Hypermethioninemia; MAT I/III DEFICIENCY; Methionine adenosyltransferase deficiency. Identifiers: Orphanet 168598, MedGen C0268621, MeSH C564683, MONDO:0009607, OMIM 250850.

Submission:

Juno Genomics, Hangzhou Juno Genomics, Inc
Classification: Uncertain significance for Hepatic methionine adenosyltransferase deficiency. Review status: criteria provided, single submitter. Criteria: ACMG Guidelines, 2015. Collection method: clinical testing. Allele origin: germline. Affected: yes.
Comment: Absent from controls (or at extremely low frequency if recessive) in Genome Aggregation Database, Exome Sequencing Project, 1000 Genomes Project, or Exome Aggregation Consortium.;Multiple lines of computational evidence support a deleterious effect on the gene or gene product (conservation, evolutionary, splicing impact, etc).;Patient's phenotype or family history is highly specific for a disease with a single genetic etiology.

NM_000429.3(MAT1A):c.397G>A (p.Gly133Arg)

Gene: MAT1A (methionine adenosyltransferase 1A; minus strand). Cytogenetic location: 10q22.3.
Variant type: single nucleotide variant.
Coding change: c.397G>A on transcript NM_000429.3 (MANE Select); coding-DNA position 397, G replaced by A.
Protein change: p.Gly133Arg; replaces glycine 133 with arginine.
Molecular consequence: missense variant.
Genome position (GRCh38, 1-based): chr10:80,280,688, C>T on the plus strand (G>A on the coding strand, the complement: MAT1A is on the minus strand). VCF-style: chr10-80280688-C-T. GRCh37 (hg19) VCF-style: chr10-82040444-C-T.
Other names: short protein forms G133R.
Identifiers: ClinVar variation 3381961 (VCV003381961.2).